The following is an entry in ClinVar:

ClinVar aggregate classification (germline): Uncertain significance (3 of 4 stars; one submission).

Conditions:
Monogenic diabetes. Identifiers: Orphanet 183625, MedGen C3888631, MONDO:0015967.

Submission:

ClinGen Monogenic Diabetes Variant Curation Expert Panel
Classification: Uncertain significance for Monogenic diabetes. Last evaluated: 2023-08-13. Review status: reviewed by expert panel. Criteria: ClinGen Monogenic Diabetes ACMG Specifications HNF4A V1.1.0. Collection method: curation. Allele origin: germline. Inheritance: Autosomal dominant inheritance.
Comment: The c.539C>A variant in the HNF4 homeobox A gene, HNF4A, causes an amino acid change of alanine to aspartic acid at codon 180 (p.(Ala180Asp)) of NM_175914.4. This variant is located within the ligand binding domain (codons 180-220 and 300-350) of HNF4A, which is defined as critical for the protein’s function by the ClinGen MDEP (PM1_Supporting). This variant is also predicted to be deleterious by computational evidence, with a REVEL score of 0.976, which is greater than the MDEP VCEP threshold of 0.70 (PP3). This variant is absent in gnomAD v2.1.1 (PM2_Supporting), and was identified in an individual with a clinical history highly specific for HNF4A-MODY (neonatal hypoglycemia that is responsive to diazoxide and negative genetic testing for ABCC8 and KCNJ11) (PP4; internal lab contributor). In summary, the c.539C>A variant meets the criteria to be classified as a variant of uncertain significance for monogenic diabetes. ACMG/AMP criteria applied, as as specified by the ClinGen MDEP (specification version 1.1.0, approved 8/11/2023): PP3, PP4, PM1_Supporting, PM2_Supporting.

NM_175914.5(HNF4A):c.539C>A (p.Ala180Asp)

Gene: HNF4A (hepatocyte nuclear factor 4 alpha; plus strand). Cytogenetic location: 20q13.12.
Variant type: single nucleotide variant.
Coding change: c.539C>A on transcript NM_175914.5 (MANE Select); coding-DNA position 539, C replaced by A.
Protein change: p.Ala180Asp; replaces alanine 180 with aspartic acid.
Molecular consequence: missense variant.
Genome position (GRCh38, 1-based): chr20:44,414,619, C>A. VCF-style: chr20-44414619-C-A. GRCh37 (hg19) VCF-style: chr20-43043259-C-A.
Other names: NM_175914.5:c.539C>A; c.605C>A, p.Ala202Asp (NM_000457.6, NM_178849.3, NM_178850.3); c.539C>A, p.Ala180Asp (NM_001030003.3, NM_001030004.3); c.584C>A, p.Ala195Asp (NM_001258355.2); c.530C>A, p.Ala177Asp (NM_001287182.2, NM_001287183.2, NM_001287184.2); short protein forms A177D, A180D, A195D, A202D.
Identifiers: ClinVar variation 2578342 (VCV002578342.1), dbSNP rs2515680140, ClinGen allele CA409106116.
Genomic context (GRCh38, chr20:44,414,619, plus strand): 5'-CCAGCATCGCAGATGTGTGTGAGTCCATGAAGGAGCAGCTGCTGGTTCTCGTTGAGTGGG[C>A]CAAGTACATCCCAGCTTTCTGCGAGCTCCCCCTGGACGACCAGGTGAGGATGGGCGTGGA-3'
Protein context (NP_787110.2, residues 170-190): KEQLLVLVEW[Ala180Asp]KYIPAFCELP